The following is an entry in ClinVar:

NM_003482.4(KMT2D):c.9431C>T (p.Ala3144Val)

Gene: KMT2D (lysine methyltransferase 2D; minus strand). Cytogenetic location: 12q13.12.
Variant type: single nucleotide variant.
Coding change: c.9431C>T on transcript NM_003482.4 (MANE Select); coding-DNA position 9431, C replaced by T.
Protein change: p.Ala3144Val; replaces alanine 3144 with valine.
Molecular consequence: missense variant.
Genome position (GRCh38, 1-based): chr12:49,037,925, G>A on the plus strand (C>T on the coding strand, the complement: KMT2D is on the minus strand). VCF-style: chr12-49037925-G-A. GRCh37 (hg19) VCF-style: chr12-49431708-G-A.
Other names: short protein forms A3144V.
Identifiers: ClinVar variation 1314437 (VCV001314437.8), dbSNP rs558965718, ClinGen allele CA236644562.

ClinVar aggregate classification (germline): Conflicting classifications of pathogenicity. Review status: criteria provided, conflicting classifications (1 of 4 stars). 4 submissions from 4 submitters: Uncertain significance (1); Benign (1); Likely benign (2). Last evaluated 2026-08-01.

Conditions:
Choanal atresia-athelia-hypothyroidism-delayed puberty-short stature syndrome (BCAHH). Also called: BRANCHIAL ARCH ABNORMALITIES, CHOANAL ATRESIA, ATHELIA, HEARING LOSS, AND HYPOTHYROIDISM SYNDROME. Identifiers: Orphanet 589856, MedGen C5680310, MONDO:0035651, OMIM 620186.
Kabuki syndrome 1 (KABUK1). Also called: KMT2D-Related Kabuki Syndrome. Identifiers: Orphanet 2322, MedGen CN030661, MONDO:0007843, OMIM 147920.
Kabuki syndrome. Also called: Kabuki make-up syndrome; NIIKAWA-KUROKI SYNDROME. Identifiers: Orphanet 2322, MedGen C0796004, MONDO:0016512.

Allele frequency attached by ClinVar (database versions not stated): gnomAD 0.00001 and 0.00002; gnomAD exomes 0.00001 and 0.00003.
gnomAD v4.1: 17 of 1,604,722 alleles (0.0011%); highest among the groups gnomAD compares: Middle Eastern, 0.016%; no homozygotes.

Submissions (4):

CeGaT Center for Human Genetics Tuebingen
Classification: Likely benign. Last evaluated: 2026-08-01. Review status: criteria provided, single submitter. Criteria: CeGaT Center For Human Genetics Tuebingen Variant Classification Criteria Version 2. Collection method: clinical testing. Allele origin: germline. Affected: yes. Observed: 1 variant allele.
Comment: KMT2D: BP4, BS2

Labcorp Genetics (formerly Invitae), Labcorp
Classification: Benign for Kabuki syndrome. Last evaluated: 2026-01-12. Review status: criteria provided, single submitter. Criteria: Invitae Variant Classification Sherloc (09022015). Collection method: clinical testing. Allele origin: germline.

Fulgent Genetics
Classification: Likely benign for Kabuki syndrome 1; Choanal atresia-athelia-hypothyroidism-delayed puberty-short stature syndrome. Last evaluated: 2024-04-11. Review status: criteria provided, single submitter. Criteria: ACMG Guidelines, 2015. Collection method: clinical testing. Allele origin: germline.

GeneDx
Classification: Uncertain significance. Last evaluated: 2021-04-02. Review status: criteria provided, single submitter. Criteria: GeneDx Variant Classification Process June 2021. Collection method: clinical testing. Allele origin: germline. Affected: yes.
Comment: In silico analysis supports that this missense variant does not alter protein structure/function; Has not been previously published as pathogenic or benign to our knowledge